The following is an entry in ClinVar:

ClinVar aggregate classification (germline): Conflicting classifications of pathogenicity. Review status: criteria provided, conflicting classifications (1 of 4 stars). 3 submissions from 3 submitters: Likely pathogenic (2); Uncertain significance (1). Last evaluated 2025-09-03.

Conditions:
FOXE3-related disorder. Also called: FOXE3-related condition.
Congenital primary aphakia. Also called: Anterior segment dysgenesis 2, multiple subtypes; ANTERIOR SEGMENT DYSGENESIS 2. Identifiers: Orphanet 83461, MedGen C1853230, MONDO:0012456, OMIM 610256.
Anterior segment dysgenesis. Also called: Ocular anterior segment dysgenesis. Identifiers: Orphanet 88632, MedGen C1862839, MONDO:0019503, HP:0007700.

Allele frequency attached by ClinVar (database versions not stated): gnomAD 0.00001; TOPMed 0.00002; gnomAD exomes 0.00004 and 0.00005; ExAC 0.00009.

Submissions (3):

Labcorp Genetics (formerly Invitae), Labcorp
Classification: Uncertain significance for Anterior segment dysgenesis; Congenital primary aphakia. Last evaluated: 2025-09-03. Review status: criteria provided, single submitter. Criteria: Invitae Variant Classification Sherloc (09022015). Collection method: clinical testing. Allele origin: germline.
Comment: This sequence change replaces tyrosine, which is neutral and polar, with cysteine, which is neutral and slightly polar, at codon 144 of the FOXE3 protein (p.Tyr144Cys). This variant is present in population databases (rs747148416, gnomAD 0.01%). This missense change has been observed in individual(s) with FOXE3-related conditions (PMID: 32436650). ClinVar contains an entry for this variant (Variation ID: 383926). Invitae Evidence Modeling of protein sequence and biophysical properties (such as structural, functional, and spatial information, amino acid conservation, physicochemical variation, residue mobility, and thermodynamic stability) indicates that this missense variant is expected to disrupt FOXE3 protein function with a positive predictive value of 95%. In summary, the available evidence is currently insufficient to determine the role of this variant in disease. Therefore, it has been classified as a Variant of Uncertain Significance.

Blueprint Genetics
Classification: Likely pathogenic for FOXE3-related disorders. Last evaluated: 2024-07-04. Review status: criteria provided, single submitter. Criteria: ACMG Guidelines, 2015. Collection method: clinical testing. Allele origin: germline. Affected: yes. Observed: 2 variant alleles.

GeneDx
Classification: Likely pathogenic. Last evaluated: 2016-02-11. Review status: criteria provided, single submitter. Criteria: GeneDx Variant Classification (06012015). Collection method: clinical testing. Allele origin: germline. Affected: yes.
Comment: The Y144C variant in the FOXE3 gene, located in the forkhead protein domain, has not been reported previously as apathogenic variant, nor as a benign variant, to our knowledge. This variant was not observed in approximately 6500individuals of European and African American ancestry in the NHLBI Exome Sequencing Project, indicating it is nota common benign variant in these populations. The Y144C variant is a non-conservative amino acid substitution,which is likely to impact secondary protein structure as these residues differ in polarity, charge, size and/or otherproperties. This substitution occurs at a position that is conserved across species, and in silico analysis predicts thisvariant is probably damaging to the protein structure/function. The Y144C variant is a strong candidate for apathogenic variant, however the possibility it may be a rare benign variant cannot be excluded.

Literature cited by the submitters: PubMed 32436650 (cited by Labcorp Genetics (formerly Invitae), Labcorp).

NM_012186.3(FOXE3):c.431A>G (p.Tyr144Cys)

Genes: FOXE3 (forkhead box E3; plus strand), LINC01389 (long independently transcribed non-coding RNA 1389; minus strand). Cytogenetic location: 1p33.
Variant type: single nucleotide variant.
Coding change: c.431A>G on transcript NM_012186.3 (MANE Select); coding-DNA position 431, A replaced by G.
Protein change: p.Tyr144Cys; replaces tyrosine 144 with cysteine.
Molecular consequence: missense variant.
Genome position (GRCh38, 1-based): chr1:47,416,746, A>G. VCF-style: chr1-47416746-A-G. GRCh37 (hg19) VCF-style: chr1-47882418-A-G.
Other names: short protein forms Y144C.
Identifiers: ClinVar variation 383926 (VCV000383926.9), dbSNP rs747148416, ClinGen allele CA842967.
Genomic context (GRCh38, chr1:47,416,746, plus strand): 5'-CGCTCAACGACTGCTTCGTCAAGGTGCCCCGCGAGCCGGGCAACCCGGGCAAGGGCAACT[A>G]CTGGACGCTGGACCCCGCGGCCGCAGACATGTTCGACAACGGCAGCTTCCTGCGGCGCCG-3'
Protein context (NP_036318.1, residues 134-154): REPGNPGKGN[Tyr144Cys]WTLDPAAADM